The following is an entry in ClinVar:

ClinVar aggregate classification (germline): Likely benign. Review status: criteria provided, multiple submitters, no conflicts (2 of 4 stars). 2 submissions from 2 submitters: Likely benign (2). Last evaluated 2024-11-19.

Allele frequency attached by ClinVar (database versions not stated): ESP Exome Variant Server 0.00099; gnomAD exomes 0.00107; ExAC 0.00073; gnomAD 0.00084; TOPMed 0.00089.
gnomAD v4.1: 1,661 of 1,605,846 alleles (0.1%); highest among the groups gnomAD compares: Admixed American, 0.14%; 2 homozygotes.

Submissions (2):

Blueprint Genetics
Classification: Likely benign. Last evaluated: 2024-11-19. Review status: criteria provided, single submitter. Criteria: ACMG Guidelines, 2015. Collection method: clinical testing. Allele origin: germline.

CeGaT Center for Human Genetics Tuebingen
Classification: Likely benign. Last evaluated: 2024-02-01. Review status: criteria provided, single submitter. Criteria: CeGaT Center For Human Genetics Tuebingen Variant Classification Criteria Version 2. Collection method: clinical testing. Allele origin: germline. Affected: yes. Observed: 2 variant alleles.
Comment: YEATS2: BP4

NM_018023.5(YEATS2):c.1485T>G (p.Ile495Met)

Gene: YEATS2 (YEATS domain containing 2; plus strand). Cytogenetic location: 3q27.1.
Variant type: single nucleotide variant.
Coding change: c.1485T>G on transcript NM_018023.5 (MANE Select); coding-DNA position 1485, T replaced by G.
Protein change: p.Ile495Met; replaces isoleucine 495 with methionine.
Molecular consequence: missense variant.
Genome position (GRCh38, 1-based): chr3:183,756,622, T>G. VCF-style: chr3-183756622-T-G. GRCh37 (hg19) VCF-style: chr3-183474410-T-G.
Other names: c.1485T>G, p.Ile495Met (NM_001351369.2, NM_001351371.2); c.1488T>G, p.Ile496Met (NM_001351370.2); short protein forms I495M, I496M.
Identifiers: ClinVar variation 2654298 (VCV002654298.25), dbSNP rs199904072, ClinGen allele CA2722309.